The following is an entry in ClinVar:

ClinVar aggregate classification (germline): Uncertain significance. Review status: criteria provided, multiple submitters, no conflicts (2 of 4 stars). 2 submissions from 2 submitters: Uncertain significance (2). Last evaluated 2025-01-22.

Conditions:
Progressive myoclonic epilepsy type 9. Identifiers: Orphanet 457265, MedGen C4225289, MONDO:0014685, OMIM 616540.
Lipodystrophy, partial, acquired, susceptibility to (APLD). Also called: APLD, SUSCEPTIBILITY TO. Identifiers: MedGen C3887501, MONDO:0100476, OMIM 608709.

Allele frequency attached by ClinVar (database versions not stated): gnomAD exomes 0.00001 and 0.00002; ExAC 0.00002; gnomAD 0.00001; TOPMed 0.00002.
gnomAD v4.1: 18 of 1,606,822 alleles (0.0011%); highest among the groups gnomAD compares: Middle Eastern, 0.017%; no homozygotes.

Submissions (2):

Ambry Genetics
Classification: Uncertain significance. Last evaluated: 2025-01-22. Review status: criteria provided, single submitter. Criteria: Ambry Variant Classification Scheme 2023. Collection method: clinical testing. Allele origin: germline.

Labcorp Genetics (formerly Invitae), Labcorp
Classification: Uncertain significance for Progressive myoclonic epilepsy type 9; Lipodystrophy, partial, acquired, susceptibility to. Last evaluated: 2023-07-25. Review status: criteria provided, single submitter. Criteria: Invitae Variant Classification Sherloc (09022015). Collection method: clinical testing. Allele origin: germline.
Comment: This sequence change replaces aspartic acid, which is acidic and polar, with asparagine, which is neutral and polar, at codon 297 of the LMNB2 protein (p.Asp297Asn). This variant is present in population databases (rs776112679, gnomAD 0.007%). This variant has not been reported in the literature in individuals affected with LMNB2-related conditions. ClinVar contains an entry for this variant (Variation ID: 1487931). Advanced modeling of protein sequence and biophysical properties (such as structural, functional, and spatial information, amino acid conservation, physicochemical variation, residue mobility, and thermodynamic stability) performed at Invitae indicates that this missense variant is not expected to disrupt LMNB2 protein function. In summary, the available evidence is currently insufficient to determine the role of this variant in disease. Therefore, it has been classified as a Variant of Uncertain Significance.

NM_032737.4(LMNB2):c.889G>A (p.Asp297Asn)

Gene: LMNB2 (lamin B2; minus strand). Cytogenetic location: 19p13.3.
Variant type: single nucleotide variant.
Coding change: c.889G>A on transcript NM_032737.4 (MANE Select); coding-DNA position 889, G replaced by A.
Protein change: p.Asp297Asn; replaces aspartic acid 297 with asparagine.
Molecular consequence: missense variant.
Genome position (GRCh38, 1-based): chr19:2,434,880, C>T on the plus strand (G>A on the coding strand, the complement: LMNB2 is on the minus strand). VCF-style: chr19-2434880-C-T. GRCh37 (hg19) VCF-style: chr19-2434878-C-T.
Other names: c.829G>A (NM_032737.2); short protein forms D297N.
Identifiers: ClinVar variation 1487931 (VCV001487931.9), dbSNP rs776112679, ClinGen allele CA9067691.